The following is an entry in ClinVar:

ClinVar aggregate classification (germline): Pathogenic (1 of 4 stars; one submission).

Conditions:
Developmental and epileptic encephalopathy. Identifiers: MedGen C5779964, MONDO:0100620.

Submission:

Labcorp Genetics (formerly Invitae), Labcorp
Classification: Pathogenic for Early-infantile DEE. Last evaluated: 2023-08-07. Review status: criteria provided, single submitter. Criteria: Invitae Variant Classification Sherloc (09022015). Collection method: clinical testing. Allele origin: unknown.
Comment: For these reasons, this variant has been classified as Pathogenic. This variant is a gross deletion of the genomic region encompassing exon(s) 23 of the SCN1A gene. This variant would be expected to be in-frame, preserving the integrity of the reading frame. This variant has not been reported in the literature in individuals affected with SCN1A-related conditions. This variant disrupts a region of the SCN1A protein in which other variant(s) (p.Asn1485Asp) have been determined to be pathogenic (PMID: 23708187). This suggests that this is a clinically significant region of the protein, and that variants that disrupt it are likely to be disease-causing.

Literature cited by the submitters: PubMed 23708187.

NC_000002.11:g.(?_166854528)_(166854705_?)del

Gene: SCN1A (sodium voltage-gated channel alpha subunit 1; minus strand). Cytogenetic location: 2q24.3.
Variant type: Deletion.
Identifiers: ClinVar variation 3247190 (VCV003247190.1).